The following is an entry in ClinVar:

NM_002887.4(RARS1):c.20A>T (p.Glu7Val)

Gene: RARS1 (arginyl-tRNA synthetase 1; plus strand). Cytogenetic location: 5q34.
Variant type: single nucleotide variant.
Coding change: c.20A>T on transcript NM_002887.4 (MANE Select); coding-DNA position 20, A replaced by T.
Protein change: p.Glu7Val; replaces glutamic acid 7 with valine.
Molecular consequence: missense variant.
Genome position (GRCh38, 1-based): chr5:168,486,518, A>T. VCF-style: chr5-168486518-A-T. GRCh37 (hg19) VCF-style: chr5-167913523-A-T.
Other names: short protein forms E7V.
Identifiers: ClinVar variation 1930235 (VCV001930235.5), dbSNP rs757722024, ClinGen allele CA3549478.

ClinVar aggregate classification (germline): Uncertain significance (1 of 4 stars; one submission).

Allele frequency attached by ClinVar (database versions not stated): ExAC 0.00004.
gnomAD v4.1: 12 of 1,559,138 alleles (0.00077%); highest among the groups gnomAD compares: African/African-American, 0.015%; no homozygotes.

Submission:

Labcorp Genetics (formerly Invitae), Labcorp
Classification: Uncertain significance. Last evaluated: 2022-10-24. Review status: criteria provided, single submitter. Criteria: Invitae Variant Classification Sherloc (09022015). Collection method: clinical testing. Allele origin: germline.
Comment: This sequence change replaces glutamic acid, which is acidic and polar, with valine, which is neutral and non-polar, at codon 7 of the RARS protein (p.Glu7Val). The frequency data for this variant in the population databases is considered unreliable, as metrics indicate poor data quality at this position in the gnomAD database. This variant has not been reported in the literature in individuals affected with RARS-related conditions. Algorithms developed to predict the effect of missense changes on protein structure and function (SIFT, PolyPhen-2, Align-GVGD) all suggest that this variant is likely to be tolerated. In summary, the available evidence is currently insufficient to determine the role of this variant in disease. Therefore, it has been classified as a Variant of Uncertain Significance.